The following is an entry in ClinVar:

NM_006267.5(RANBP2):c.2T>A (p.Met1Lys)

Gene: RANBP2 (RAN binding protein 2; plus strand). Cytogenetic location: 2q13.
Variant type: single nucleotide variant.
Coding change: c.2T>A on transcript NM_006267.5 (MANE Select); coding-DNA position 2, T replaced by A.
Protein change: p.Met1Lys; changes the start codon (methionine 1).
Molecular consequence: missense variant, initiator codon variant.
Genome position (GRCh38, 1-based): chr2:108,719,608, T>A. VCF-style: chr2-108719608-T-A. GRCh37 (hg19) VCF-style: chr2-109336064-T-A.
Other names: short protein forms M1K.
Identifiers: ClinVar variation 1025191 (VCV001025191.6), dbSNP rs1694042679, ClinGen allele CA348032978.

ClinVar aggregate classification (germline): Uncertain significance (1 of 4 stars; one submission).

Conditions:
Familial acute necrotizing encephalopathy (IIAE3). Also called: ENCEPHALOPATHY, ACUTE, INFECTION-INDUCED, SUSCEPTIBILITY TO, 3; Susceptibility to Acute Necrotizing Encephalopathy 1. Identifiers: Orphanet 88619, MedGen C2675556, MONDO:0011953, OMIM 608033.

Submission:

Labcorp Genetics (formerly Invitae), Labcorp
Classification: Uncertain significance for Familial acute necrotizing encephalopathy. Last evaluated: 2022-05-20. Review status: criteria provided, single submitter. Criteria: Invitae Variant Classification Sherloc (09022015). Collection method: clinical testing. Allele origin: germline.
Comment: In summary, the available evidence is currently insufficient to determine the role of this variant in disease. Therefore, it has been classified as a Variant of Uncertain Significance. Experimental studies and prediction algorithms are not available or were not evaluated, and the functional significance of this variant is currently unknown. ClinVar contains an entry for this variant (Variation ID: 1025191). This variant has not been reported in the literature in individuals affected with RANBP2-related conditions. This variant is not present in population databases (gnomAD no frequency). This sequence change affects the initiator methionine of the RANBP2 mRNA. The next in-frame methionine is located at codon 27.